The following is an entry in ClinVar:

ClinVar aggregate classification (germline): Uncertain significance (1 of 4 stars; one submission).

Allele frequency attached by ClinVar (database versions not stated): gnomAD exomes below 0.00001.
gnomAD v4.1: 2 of 1,614,202 alleles (0.00012%); highest among the groups gnomAD compares: Non-Finnish European, 0.000085%; no homozygotes.

Submission:

Ambry Genetics
Classification: Uncertain significance. Last evaluated: 2024-01-26. Review status: criteria provided, single submitter. Criteria: Ambry Variant Classification Scheme 2023. Collection method: clinical testing. Allele origin: germline.
Comment: The p.M894I variant (also known as c.2682G>A), located in coding exon 16 of the POLQ gene, results from a G to A substitution at nucleotide position 2682. The methionine at codon 894 is replaced by isoleucine, an amino acid with highly similar properties. This amino acid position is conserved. In addition, this alteration is predicted to be tolerated by in silico analysis. Since supporting evidence is limited at this time, the clinical significance of this alteration remains unclear.

NM_199420.4(POLQ):c.2682G>A (p.Met894Ile)

Gene: POLQ (DNA polymerase theta; minus strand). Cytogenetic location: 3q13.33.
Variant type: single nucleotide variant.
Coding change: c.2682G>A on transcript NM_199420.4 (MANE Select); coding-DNA position 2682, G replaced by A.
Protein change: p.Met894Ile; replaces methionine 894 with isoleucine.
Molecular consequence: missense variant.
Genome position (GRCh38, 1-based): chr3:121,490,249, C>T on the plus strand (G>A on the coding strand, the complement: POLQ is on the minus strand). VCF-style: chr3-121490249-C-T. GRCh37 (hg19) VCF-style: chr3-121209096-C-T.
Other names: short protein forms M894I.
Identifiers: ClinVar variation 1794695 (VCV001794695.2), dbSNP rs1273708295, ClinGen allele CA354105221.